The following is an entry in ClinVar:

ClinVar aggregate classification (germline): Uncertain significance (1 of 4 stars; one submission).

gnomAD v4.1: 10 of 1,587,596 alleles (0.00063%); highest among the groups gnomAD compares: Non-Finnish European, 0.00086%; no homozygotes.

Submission:

Labcorp Genetics (formerly Invitae), Labcorp
Classification: Uncertain significance. Last evaluated: 2025-10-23. Review status: criteria provided, single submitter. Criteria: Invitae Variant Classification Sherloc (09022015). Collection method: clinical testing. Allele origin: germline.
Comment: This sequence change replaces leucine, which is neutral and non-polar, with methionine, which is neutral and non-polar, at codon 399 of the TOP2B protein (p.Leu399Met). The frequency data for this variant in the population databases is considered unreliable, as metrics indicate poor data quality at this position in the gnomAD database. This variant has not been reported in the literature in individuals affected with TOP2B-related conditions. ClinVar contains an entry for this variant (Variation ID: 2984078). An algorithm developed to predict the effect of missense changes on protein structure and function (PolyPhen-2) suggests that this variant is likely to be disruptive. In summary, the available evidence is currently insufficient to determine the role of this variant in disease. Therefore, it has been classified as a Variant of Uncertain Significance.

NM_001330700.2(TOP2B):c.1210C>A (p.Leu404Met)

Gene: TOP2B (DNA topoisomerase II beta; minus strand). Cytogenetic location: 3p24.2.
Variant type: single nucleotide variant.
Coding change: c.1210C>A on transcript NM_001330700.2 (MANE Select); coding-DNA position 1210, C replaced by A.
Protein change: p.Leu404Met; replaces leucine 404 with methionine.
Molecular consequence: missense variant.
Genome position (GRCh38, 1-based): chr3:25,632,502, G>T on the plus strand (C>A on the coding strand, the complement: TOP2B is on the minus strand). VCF-style: chr3-25632502-G-T. GRCh37 (hg19) VCF-style: chr3-25673993-G-T.
Other names: c.1195C>A, p.Leu399Met (NM_001068.3); short protein forms L399M, L404M.
Identifiers: ClinVar variation 2984078 (VCV002984078.3), dbSNP rs374630212, ClinGen allele CA2288726.
Genomic context (GRCh38, chr3:25,632,502, plus strand): 5'-TCACTGCTTTAAAAAATTTTTCTGACAGCTGGCATTTAGACCCAAAACTTTTGGGCTGCA[G>T]AGTCATGTTTTCCTTAGTCTGAGAATCAAAAGTTGGATTTTCAATAAGGCAATTAATAAA-3'
Protein context (NP_001317629.1, residues 394-414): FDSQTKENMT[Leu404Met]QPKSFGSKCQ